The following is an entry in ClinVar:

NM_000292.3(PHKA2):c.2209C>T (p.Gln737Ter)

Gene: PHKA2 (phosphorylase kinase regulatory subunit alpha 2; minus strand). Cytogenetic location: Xp22.13.
Variant type: single nucleotide variant.
Coding change: c.2209C>T on transcript NM_000292.3 (MANE Select); coding-DNA position 2209, C replaced by T.
Protein change: p.Gln737Ter; replaces glutamine 737 with a stop codon.
Molecular consequence: nonsense.
Genome position (GRCh38, 1-based): chrX:18,910,889, G>A on the plus strand (C>T on the coding strand, the complement: PHKA2 is on the minus strand). VCF-style: chrX-18910889-G-A. GRCh37 (hg19) VCF-style: chrX-18929007-G-A.
Other names: short protein forms Q737*.
Identifiers: ClinVar variation 575608 (VCV000575608.7), dbSNP rs1569300538, ClinGen allele CA412385557.

ClinVar aggregate classification (germline): Pathogenic. Review status: criteria provided, single submitter (1 of 4 stars). 2 submissions from 2 submitters: Pathogenic (1). 1 of the submissions does not count toward it. Last evaluated 2018-06-03.

Conditions:
PHKA2-related disorder. Also called: PHKA2-related condition.
Glycogen storage disease IXa1. Also called: GLYCOGEN STORAGE DISEASE VIII; GSD VIII; Glycogen storage disease 8; LIVER GLYCOGENOSIS, X-LINKED, TYPE I. Identifiers: Orphanet 264580, MedGen C3694531, MONDO:0010598, OMIM 306000.

Submissions (2):

Labcorp Genetics (formerly Invitae), Labcorp
Classification: Pathogenic for Glycogen storage disease IXa1. Last evaluated: 2018-06-03. Review status: criteria provided, single submitter. Criteria: Invitae Variant Classification Sherloc (09022015). Collection method: clinical testing. Allele origin: germline.
Comment: Loss-of-function variants in PHKA2 are known to be pathogenic (PMID: 7711737, 10330341). This sequence change creates a premature translational stop signal (p.Gln737*) in the PHKA2 gene. It is expected to result in an absent or disrupted protein product. This variant is not present in population databases (ExAC no frequency). This variant has not been reported in the literature in individuals with PHKA2-related disease. For these reasons, this variant has been classified as Pathogenic.

PreventionGenetics, part of Exact Sciences
Classification: Likely pathogenic for PHKA2-related condition. Last evaluated: 2024-09-13. Review status: no assertion criteria provided. Collection method: clinical testing. Allele origin: germline. Not counted in ClinVar's aggregate classification.
Comment: The PHKA2 c.2209C>T variant is predicted to result in premature protein termination (p.Gln737*). To our knowledge, this variant has not been reported in the literature or in a large population database, indicating this variant is rare. Nonsense variants in PHKA2 are expected to be pathogenic. This variant is interpreted as likely pathogenic.

Literature cited by the submitters: PubMed 7711737 (cited by Labcorp Genetics (formerly Invitae), Labcorp); PubMed 10330341 (cited by Labcorp Genetics (formerly Invitae), Labcorp).